The following is an entry in ClinVar:

NM_015570.4(AUTS2):c.2450G>A (p.Arg817His)

Gene: AUTS2 (activator of transcription and developmental regulator AUTS2; plus strand). Cytogenetic location: 7q11.22.
Variant type: single nucleotide variant.
Coding change: c.2450G>A on transcript NM_015570.4 (MANE Select); coding-DNA position 2450, G replaced by A.
Protein change: p.Arg817His; replaces arginine 817 with histidine.
Molecular consequence: missense variant.
Genome position (GRCh38, 1-based): chr7:70,787,350, G>A. VCF-style: chr7-70787350-G-A. GRCh37 (hg19) VCF-style: chr7-70252336-G-A.
Other names: c.2378G>A, p.Arg793His (NM_001127231.3); short protein forms R793H, R817H.
Identifiers: ClinVar variation 2040202 (VCV002040202.8), dbSNP rs150219264, ClinGen allele CA4281066.

ClinVar aggregate classification (germline): Conflicting classifications of pathogenicity. Review status: criteria provided, conflicting classifications (1 of 4 stars). 3 submissions from 3 submitters: Uncertain significance (2); Likely benign (1). Last evaluated 2025-07-30.

Conditions:
Autism spectrum disorder due to AUTS2 deficiency (MRD26). Also called: INTELLECTUAL DEVELOPMENTAL DISORDER, AUTOSOMAL DOMINANT 26. Identifiers: Orphanet 352490, MedGen C4014435, MONDO:0014361, OMIM 615834.
Inborn genetic diseases. Identifiers: MedGen C0950123, MeSH D030342.

Allele frequency attached by ClinVar (database versions not stated): ExAC 0.00002; ESP Exome Variant Server 0.00008.
gnomAD v4.1: 29 of 1,613,924 alleles (0.0018%); highest among the groups gnomAD compares: Admixed American, 0.0033%; no homozygotes.

Submissions (3):

Labcorp Genetics (formerly Invitae), Labcorp
Classification: Likely benign. Last evaluated: 2025-07-30. Review status: criteria provided, single submitter. Criteria: Invitae Variant Classification Sherloc (09022015). Collection method: clinical testing. Allele origin: germline.

Ambry Genetics
Classification: Uncertain significance for Inborn genetic diseases. Last evaluated: 2025-05-25. Review status: criteria provided, single submitter. Criteria: Ambry Variant Classification Scheme 2023. Collection method: clinical testing. Allele origin: germline.

Juno Genomics, Hangzhou Juno Genomics, Inc
Classification: Uncertain significance for Autism spectrum disorder due to AUTS2 deficiency. Review status: criteria provided, single submitter. Criteria: ACMG Guidelines, 2015. Collection method: clinical testing. Allele origin: germline.
Comment: Absent from controls (or at extremely low frequency if recessive) in Genome Aggregation Database.